The following is an entry in ClinVar:

ClinVar aggregate classification (germline): Uncertain significance. Review status: criteria provided, multiple submitters, no conflicts (2 of 4 stars). 2 submissions from 2 submitters: Uncertain significance (2). Last evaluated 2026-01-31.

Conditions:
Brugada syndrome 8 (BRGDA8). Identifiers: Orphanet 130, MedGen C2751083, MONDO:0013148, OMIM 613123.
Sick sinus syndrome 2, autosomal dominant (SSS2). Also called: SICK SINUS SYNDROME 2; SICK SINUS SYNDROME 2 WITH OR WITHOUT CARDIAC NONCOMPACTION AND/OR ASCENDING AORTA DILATION; SINUS BRADYCARDIA SYNDROME, FAMILIAL, AUTOSOMAL DOMINANT; SINUS NODE DISEASE, FAMILIAL, AUTOSOMAL DOMINANT; ATRIAL FIBRILLATION WITH BRADYARRHYTHMIA. Identifiers: Orphanet 166282, MedGen C1834144, MONDO:0008102, OMIM 163800.

gnomAD v4.1: 3 of 1,614,104 alleles (0.00019%); highest among the groups gnomAD compares: Admixed American, 0.0017%; no homozygotes.

Submissions (2):

Labcorp Genetics (formerly Invitae), Labcorp
Classification: Uncertain significance for Brugada syndrome 8. Last evaluated: 2026-01-31. Review status: criteria provided, single submitter. Criteria: Invitae Variant Classification Sherloc (09022015). Collection method: clinical testing. Allele origin: germline.
Comment: This sequence change replaces threonine, which is neutral and polar, with methionine, which is neutral and non-polar, at codon 605 of the HCN4 protein (p.Thr605Met). This variant is not present in population databases (gnomAD no frequency). This variant has not been reported in the literature in individuals affected with HCN4-related conditions. ClinVar contains an entry for this variant (Variation ID: 3730190). Invitae Evidence Modeling of protein sequence and biophysical properties (such as structural, functional, and spatial information, amino acid conservation, physicochemical variation, residue mobility, and thermodynamic stability) indicates that this missense variant is expected to disrupt HCN4 protein function with a positive predictive value of 95%. In summary, the available evidence is currently insufficient to determine the role of this variant in disease. Therefore, it has been classified as a Variant of Uncertain Significance.

Victorian Clinical Genetics Services, Murdoch Childrens Research Institute
Classification: Uncertain significance for Sick sinus syndrome 2, autosomal dominant. Last evaluated: 2025-07-17. Review status: criteria provided, single submitter. Criteria: ACMG Guidelines, 2015. Collection method: clinical testing. Allele origin: germline. Affected: yes.
Comment: This variant is classified as VUS-3A. Evidence in support of pathogenic classification: Variant is present in gnomAD <0.001 for a dominant condition (v4: 3 heterozygote(s), 0 homozygote(s)); Missense variant predicted to be damaging by in silico tool(s) or highly conserved with a major amino acid change. Additional information: Variant is predicted to result in a missense amino acid change from Thr to Met; This variant is heterozygous; This gene is associated with autosomal dominant disease; Alternative amino acid change(s) at the same position are present in gnomAD (v4: 1 heterozygote(s), 0 homozygote(s)); Previous evidence of pathogenicity for this variant is inconclusive. This variant has been reported as a VUS by a clinical laboratory without clinical information (ClinVar); No published evidence of segregation with disease has been identified for this variant; No published functional evidence has been identified for this variant; No comparable missense variants have previous evidence for pathogenicity; Variant is not located in an established domain, motif, hotspot or informative constraint region; Loss of function is a known mechanism of disease in this gene and is associated with sick sinus syndrome 2 (MIM#163800). Gain of function has also been reported for a single missense variant and is associated with inappropriate sinus tachycardia (PMID: 28182231).

Literature cited by the submitters: PubMed 28182231 (cited by Victorian Clinical Genetics Services, Murdoch Childrens Research Institute).

NM_005477.3(HCN4):c.1814C>T (p.Thr605Met)

Gene: HCN4 (hyperpolarization activated cyclic nucleotide gated potassium channel 4; minus strand). Cytogenetic location: 15q24.1.
Variant type: single nucleotide variant.
Coding change: c.1814C>T on transcript NM_005477.3 (MANE Select); coding-DNA position 1814, C replaced by T.
Protein change: p.Thr605Met; replaces threonine 605 with methionine.
Molecular consequence: missense variant.
Genome position (GRCh38, 1-based): chr15:73,325,119, G>A on the plus strand (C>T on the coding strand, the complement: HCN4 is on the minus strand). VCF-style: chr15-73325119-G-A. GRCh37 (hg19) VCF-style: chr15-73617460-G-A.
Other names: short protein forms T605M.
Identifiers: ClinVar variation 3730190 (VCV003730190.4).
Genomic context (GRCh38, chr15:73,325,119, plus strand): 5'-TCCCGGATGATGTAGTCCCCAGGCTGGAAGACCTCGAAACGCAGCTTGGTCAGCATGGAC[G>A]TCACGAAGTTGGGGTCCGCATTGGCAAACAGTGGCATGGAGGCCACCAGCTTCCGACAGT-3'
Protein context (NP_005468.1, residues 595-615): LFANADPNFV[Thr605Met]SMLTKLRFEV